The following is an entry in ClinVar:

ClinVar aggregate classification (germline): Benign. Review status: criteria provided, single submitter (1 of 4 stars). 2 submissions from 2 submitters: Benign (1). 1 of the submissions does not count toward it. Last evaluated 2018-10-24.

Conditions:
ROBO3-related disorder. Also called: ROBO3-related condition.

Allele frequency attached by ClinVar (database versions not stated): gnomAD exomes 0.00068 and 0.00071; ExAC 0.00139; gnomAD 0.01029 and 0.01124.

Submissions (2):

Labcorp Genetics (formerly Invitae), Labcorp
Classification: Benign. Last evaluated: 2018-10-24. Review status: criteria provided, single submitter. Criteria: Invitae Variant Classification Sherloc (09022015). Collection method: clinical testing. Allele origin: germline.

PreventionGenetics, part of Exact Sciences
Classification: Likely benign for ROBO3-related condition. Last evaluated: 2024-04-17. Review status: no assertion criteria provided. Collection method: clinical testing. Allele origin: germline. Not counted in ClinVar's aggregate classification.
Comment: This variant is classified as likely benign based on ACMG/AMP sequence variant interpretation guidelines (Richards et al. 2015 PMID: 25741868, with internal and published modifications).

NM_022370.4(ROBO3):c.4098del (p.Arg1367fs)

Gene: ROBO3 (roundabout guidance receptor 3; plus strand). Cytogenetic location: 11q24.2.
Variant type: Deletion.
Coding change: c.4098del on transcript NM_022370.4 (MANE Select); coding-DNA position 4098, one base deleted (T; older notation c.4098delT).
Protein change: p.Arg1367fs; shifts the reading frame from arginine 1367.
Molecular consequence: frameshift variant. On other transcripts: non-coding transcript variant (7).
Genome position (GRCh38, 1-based): chr11:124,880,557, T deleted. VCF-style (leftmost placement, unchanged base first): chr11-124880556-GT-G. GRCh37 (hg19) VCF-style: chr11-124750452-GT-G.
Other names: c.1245del, p.Arg416fs (NM_001370356.1, NM_001370357.1, NM_001370358.1 and 2 more transcripts); c.1050del, p.Arg351fs (NM_001370364.1, NM_001370366.1); short protein forms R1367fs, R351fs, R416fs.
Identifiers: ClinVar variation 779379 (VCV000779379.6), dbSNP rs759310343, ClinGen allele CA6344379.
Genomic context (GRCh38, chr11:124,880,556, plus strand): 5'-GCAACTCTTCCAGGGGCTCCAGCAGCTCTAGGGGCTCCCGGGGCCCTGGCCGGAGCCGGA[GT>G]CGGAGTCAGAGCCGGAGCCAGAGCCAAAGGCCAGGACAGAAACGCCGAGAGGTAGGGGCC-3'